The following is an entry in ClinVar:

ClinVar aggregate classification (germline): Pathogenic (1 of 4 stars; one submission).

Conditions:
Hereditary cancer-predisposing syndrome. Also called: Hereditary Cancer Syndrome; Hereditary neoplastic syndrome; Neoplastic Syndromes, Hereditary; Tumor predisposition. Identifiers: Orphanet 140162, MedGen C0027672, MeSH D009386, MONDO:0015356.

Submission:

Ambry Genetics
Classification: Pathogenic for Hereditary cancer-predisposing syndrome. Last evaluated: 2017-12-04. Review status: criteria provided, single submitter. Criteria: Ambry Variant Classification Scheme 2023. Collection method: clinical testing. Allele origin: germline.
Comment: The c.954dupT pathogenic mutation, located in coding exon 7 of the PTCH1 gene, results from a duplication of T at nucleotide position 954, causing a translational frameshift with a predicted alternate stop codon (p.M319Yfs*118). This alteration is expected to result in loss of function by premature protein truncation or nonsense-mediated mRNA decay. As such, this alteration is interpreted as a disease-causing mutation.

NM_000264.5(PTCH1):c.954dup (p.Met319fs)

Gene: PTCH1 (patched 1; minus strand). Cytogenetic location: 9q22.32.
Variant type: Duplication.
Coding change: c.954dup on transcript NM_000264.5 (MANE Select); coding-DNA position 954, one base duplicated (T; older notation c.954dupT).
Protein change: p.Met319fs; shifts the reading frame from methionine 319.
Molecular consequence: frameshift variant. On other transcripts: non-coding transcript variant (1).
Genome position (GRCh38, 1-based): chr9:95,480,082, A duplicated on the plus strand (T on the coding strand, the reverse complement: PTCH1 is on the minus strand). VCF-style (leftmost placement, unchanged base first): chr9-95480081-T-TA. GRCh37 (hg19) VCF-style: chr9-98242363-T-TA.
Other names: c.954dupT (NM_000264.3); c.756dup, p.Met253fs (NM_001083602.3); c.951dup, p.Met318fs (NM_001083603.3); c.501dup, p.Met168fs (NM_001083604.3, NM_001083605.3, NM_001083606.3 and 1 more transcripts); c.954dup, p.Met319fs (NM_001354918.2); short protein forms M253fs, M319fs, M168fs, M318fs.
Identifiers: ClinVar variation 1767343 (VCV001767343.2), dbSNP rs2538226569, ClinGen allele CA2580080875.